The following is an entry in ClinVar:

NM_004836.7(EIF2AK3):c.122C>T (p.Ala41Val)

Gene: EIF2AK3 (eukaryotic translation initiation factor 2 alpha kinase 3; minus strand). Cytogenetic location: 2p11.2.
Variant type: single nucleotide variant.
Coding change: c.122C>T on transcript NM_004836.7 (MANE Select); coding-DNA position 122, C replaced by T.
Protein change: p.Ala41Val; replaces alanine 41 with valine.
Molecular consequence: missense variant.
Genome position (GRCh38, 1-based): chr2:88,627,153, G>A on the plus strand (C>T on the coding strand, the complement: EIF2AK3 is on the minus strand). VCF-style: chr2-88627153-G-A. GRCh37 (hg19) VCF-style: chr2-88926671-G-A.
Other names: short protein forms A41V.
Identifiers: ClinVar variation 2002122 (VCV002002122.4), dbSNP rs1675886949, ClinGen allele CA347763436.

ClinVar aggregate classification (germline): Uncertain significance (1 of 4 stars; one submission).

Allele frequency attached by ClinVar (database versions not stated): gnomAD exomes below 0.00001.
gnomAD v4.1: 1 of 1,434,698 alleles (0.00007%); highest among the groups gnomAD compares: South Asian, 0.0014%; no homozygotes.

Submission:

Labcorp Genetics (formerly Invitae), Labcorp
Classification: Uncertain significance. Last evaluated: 2022-06-02. Review status: criteria provided, single submitter. Criteria: Invitae Variant Classification Sherloc (09022015). Collection method: clinical testing. Allele origin: germline.
Comment: In summary, the available evidence is currently insufficient to determine the role of this variant in disease. Therefore, it has been classified as a Variant of Uncertain Significance. Algorithms developed to predict the effect of missense changes on protein structure and function are either unavailable or do not agree on the potential impact of this missense change (SIFT: "Tolerated"; PolyPhen-2: "Not Available"; Align-GVGD: "Class C0"). This variant has not been reported in the literature in individuals affected with EIF2AK3-related conditions. This variant is not present in population databases (gnomAD no frequency). This sequence change replaces alanine, which is neutral and non-polar, with valine, which is neutral and non-polar, at codon 41 of the EIF2AK3 protein (p.Ala41Val).